The following is an entry in ClinVar:

ClinVar aggregate classification (germline): Uncertain significance (1 of 4 stars; one submission).

Conditions:
Early Myoclonic Encephalopathy. Identifiers: MedGen C0270855.

gnomAD v4.1: 16 of 1,588,518 alleles (0.001%); highest among the groups gnomAD compares: Non-Finnish European, 0.0013%; no homozygotes.

Submission:

Labcorp Genetics (formerly Invitae), Labcorp
Classification: Uncertain significance for Early Myoclonic Encephalopathy. Last evaluated: 2025-02-12. Review status: criteria provided, single submitter. Criteria: Invitae Variant Classification Sherloc (09022015). Collection method: clinical testing. Allele origin: germline.
Comment: This sequence change replaces aspartic acid, which is acidic and polar, with asparagine, which is neutral and polar, at codon 234 of the JMJD1C protein (p.Asp234Asn). This variant is present in population databases (no rsID available, gnomAD 0.002%). This variant has not been reported in the literature in individuals affected with JMJD1C-related conditions. An algorithm developed to predict the effect of missense changes on protein structure and function (PolyPhen-2) suggests that this variant is likely to be disruptive. In summary, the available evidence is currently insufficient to determine the role of this variant in disease. Therefore, it has been classified as a Variant of Uncertain Significance.

NM_032776.3(JMJD1C):c.700G>A (p.Asp234Asn)

Gene: JMJD1C (jumonji domain containing 1C; minus strand). Cytogenetic location: 10q21.3.
Variant type: single nucleotide variant.
Coding change: c.700G>A on transcript NM_032776.3 (MANE Select); coding-DNA position 700, G replaced by A.
Protein change: p.Asp234Asn; replaces aspartic acid 234 with asparagine.
Molecular consequence: missense variant. On other transcripts: 5 prime UTR variant (1), non-coding transcript variant (1).
Genome position (GRCh38, 1-based): chr10:63,215,675, C>T on the plus strand (G>A on the coding strand, the complement: JMJD1C is on the minus strand). VCF-style: chr10-63215675-C-T. GRCh37 (hg19) VCF-style: chr10-64975435-C-T.
Other names: c.154G>A, p.Asp52Asn (NM_001282948.2, NM_001318154.2); c.-169G>A (NM_001318153.2); c.586G>A, p.Asp196Asn (NM_001322252.2); c.43G>A, p.Asp15Asn (NM_001322254.2, NM_001322258.2); short protein forms D15N, D196N, D52N, D234N.
Identifiers: ClinVar variation 4752873 (VCV004752873.1).